The following is an entry in ClinVar:

NM_005264.8(GFRA1):c.747C>T (p.Ser249=)

Gene: GFRA1 (GDNF family receptor alpha 1; minus strand). Cytogenetic location: 10q25.3.
Variant type: single nucleotide variant.
Coding change: c.747C>T on transcript NM_005264.8 (MANE Select); coding-DNA position 747, C replaced by T.
Protein change: p.Ser249=; no amino-acid change (serine 249 retained).
Molecular consequence: synonymous variant.
Genome position (GRCh38, 1-based): chr10:116,125,244, G>A on the plus strand (C>T on the coding strand, the complement: GFRA1 is on the minus strand). VCF-style: chr10-116125244-G-A. GRCh37 (hg19) VCF-style: chr10-117884755-G-A.
Other names: c.747C>T (NM_001348098.1); c.732C>T, p.Ser244= (NM_001145453.4, NM_001348096.3, NM_001382556.2 and 6 more transcripts); c.747C>T, p.Ser249= (NM_001348098.4); c.384C>T, p.Ser128= (NM_001348099.3).
Identifiers: ClinVar variation 784518 (VCV000784518.27), dbSNP rs76248338, ClinGen allele CA5705327.

ClinVar aggregate classification (germline): Benign/Likely benign. Review status: criteria provided, multiple submitters, no conflicts (2 of 4 stars). 4 submissions from 4 submitters: Benign (2); Likely benign (1). 1 of the submissions does not count toward it. Last evaluated 2026-02-01.

Conditions:
GFRA1-related disorder. Also called: GFRA1-related condition.

Allele frequency attached by ClinVar (database versions not stated): 1000 Genomes Project 30x 0.00250; 1000 Genomes Project 0.00260; ESP Exome Variant Server 0.00415; TOPMed 0.00417; gnomAD 0.00507 and 0.00513; ExAC 0.00517; gnomAD exomes 0.00526 and 0.00570.
gnomAD v4.1: 9,038 of 1,614,140 alleles (0.56%); highest among the groups gnomAD compares: Non-Finnish European, 0.61%; 31 homozygotes.

Submissions (4):

CeGaT Center for Human Genetics Tuebingen
Classification: Likely benign. Last evaluated: 2026-02-01. Review status: criteria provided, single submitter. Criteria: CeGaT Center For Human Genetics Tuebingen Variant Classification Criteria Version 2. Collection method: clinical testing. Allele origin: germline. Affected: yes. Observed: 2 variant alleles.
Comment: GFRA1: BP4, BP7, BS2

Labcorp Genetics (formerly Invitae), Labcorp
Classification: Benign. Last evaluated: 2019-12-31. Review status: criteria provided, single submitter. Criteria: Invitae Variant Classification Sherloc (09022015). Collection method: clinical testing. Allele origin: germline.

Breakthrough Genomics
Classification: Benign. Review status: criteria provided, single submitter. Criteria: ACMG Guidelines, 2015. Collection method: not provided. Allele origin: germline. Inheritance: Autosomal recessive inheritance. Affected: yes.

PreventionGenetics, part of Exact Sciences
Classification: Benign for GFRA1-related condition. Last evaluated: 2024-06-13. Review status: no assertion criteria provided. Collection method: clinical testing. Allele origin: germline. Not counted in ClinVar's aggregate classification.
Comment: This variant is classified as benign based on ACMG/AMP sequence variant interpretation guidelines (Richards et al. 2015 PMID: 25741868, with internal and published modifications).